The following is an entry in ClinVar:

NM_000383.4(AIRE):c.1128G>C (p.Glu376Asp)

Gene: AIRE (autoimmune regulator; plus strand). Cytogenetic location: 21q22.3.
Variant type: single nucleotide variant.
Coding change: c.1128G>C on transcript NM_000383.4 (MANE Select); coding-DNA position 1128, G replaced by C.
Protein change: p.Glu376Asp; replaces glutamic acid 376 with aspartic acid.
Molecular consequence: missense variant.
Genome position (GRCh38, 1-based): chr21:44,293,025, G>C. VCF-style: chr21-44293025-G-C. GRCh37 (hg19) VCF-style: chr21-45712908-G-C.
Other names: short protein forms E376D.
Identifiers: ClinVar variation 2707222 (VCV002707222.3), dbSNP rs1439503034, ClinGen allele CA410425312.

ClinVar aggregate classification (germline): Uncertain significance (1 of 4 stars; one submission).

Conditions:
Polyglandular autoimmune syndrome, type 1 (APS1). Also called: HYPOADRENOCORTICISM WITH HYPOPARATHYROIDISM AND SUPERFICIAL MONILIASIS; PGA I; Whitaker syndrome; AUTOIMMUNE POLYENDOCRINE SYNDROME, TYPE I, WITH OR WITHOUT REVERSIBLE METAPHYSEAL DYSPLASIA; Autoimmune polyendocrinopathy syndrome , type I, with or without reversible metaphyseal dysplasia; Autoimmune polyendocrine syndrome type 1. Identifiers: Orphanet 3453, MedGen C0085859, MONDO:0009411, OMIM 240300.

Submission:

Labcorp Genetics (formerly Invitae), Labcorp
Classification: Uncertain significance for Polyglandular autoimmune syndrome, type 1. Last evaluated: 2024-01-03. Review status: criteria provided, single submitter. Criteria: Invitae Variant Classification Sherloc (09022015). Collection method: clinical testing. Allele origin: germline.
Comment: This sequence change replaces glutamic acid, which is acidic and polar, with aspartic acid, which is acidic and polar, at codon 376 of the AIRE protein (p.Glu376Asp). This variant is not present in population databases (gnomAD no frequency). This variant has not been reported in the literature in individuals affected with AIRE-related conditions. Advanced modeling of protein sequence and biophysical properties (such as structural, functional, and spatial information, amino acid conservation, physicochemical variation, residue mobility, and thermodynamic stability) performed at Invitae indicates that this missense variant is not expected to disrupt AIRE protein function with a negative predictive value of 95%. In summary, the available evidence is currently insufficient to determine the role of this variant in disease. Therefore, it has been classified as a Variant of Uncertain Significance.